The following is an entry in ClinVar:

NM_000492.4(CFTR):c.1360_1381delinsATAGAAA

Genes: CFTR (CF transmembrane conductance regulator; plus strand), CFTR-AS1 (CFTR antisense RNA 1; minus strand). Cytogenetic location: 7q31.2.
Variant type: Indel.
Coding change: c.1360_1381delinsATAGAAA on transcript NM_000492.4 (MANE Select); coding-DNA positions 1360 to 1381, TTGGCGGTTGCTGGATCCACTG replaced by ATAGAAA.
Genome position (GRCh38, 1-based): chr7:117,548,791-117,548,812, TTGGCGGTTGCTGGATCCACTG replaced by ATAGAAA. VCF-style: chr7-117548791-TTGGCGGTTGCTGGATCCACTG-ATAGAAA. GRCh37 (hg19) VCF-style: chr7-117188845-TTGGCGGTTGCTGGATCCACTG-ATAGAAA.
Other names: c.1360_1381delinsATAGAAA, p.Leu454_Gly461delinsIleGluArg (LRG_663t1).
Identifiers: ClinVar variation 439052 (VCV000439052.3), dbSNP rs1554382656, ClinGen allele CA645509181.

ClinVar aggregate classification (germline): Uncertain significance. Review status: criteria provided, multiple submitters, no conflicts (2 of 4 stars). 2 submissions from 2 submitters: Uncertain significance (2). Last evaluated 2022-09-05.

Conditions:
Cystic fibrosis (CF). Also called: MUCOVISCIDOSIS. Identifiers: Orphanet 586, MedGen C0010674, MONDO:0009061, OMIM 219700. Disease mechanism: loss of function.

Submissions (2):

Institute of Human Genetics, University of Leipzig Medical Center
Classification: Uncertain significance for Cystic fibrosis. Last evaluated: 2022-09-05. Review status: criteria provided, single submitter. Criteria: ACMG Guidelines, 2015. Collection method: curation. Allele origin: unknown. Affected: yes. Observed: 1 variant allele.
Comment: The variant was classified in the context of a project re-classifying variants in the German Cystic Fibrosis Registry (Muko.e.V.). Criteria applied: PM2_SUP, PM3, PP4

Quest Diagnostics Nichols Institute San Juan Capistrano
Classification: Uncertain significance. Last evaluated: 2017-05-05. Review status: criteria provided, single submitter. Criteria: Quest Diagnostics criteria. Collection method: clinical testing. Allele origin: germline.